The following is an entry in ClinVar:

ClinVar aggregate classification (germline): Uncertain significance (1 of 4 stars; one submission).

Allele frequency attached by ClinVar (database versions not stated): gnomAD 0.00001; gnomAD exomes 0.00001; TOPMed 0.00001.
gnomAD v4.1: 4 of 1,613,514 alleles (0.00025%); highest among the groups gnomAD compares: Non-Finnish European, 0.00034%; no homozygotes.

Submission:

Labcorp Genetics (formerly Invitae), Labcorp
Classification: Uncertain significance. Last evaluated: 2022-05-20. Review status: criteria provided, single submitter. Criteria: Invitae Variant Classification Sherloc (09022015). Collection method: clinical testing. Allele origin: germline.
Comment: In summary, the available evidence is currently insufficient to determine the role of this variant in disease. Therefore, it has been classified as a Variant of Uncertain Significance. Algorithms developed to predict the effect of missense changes on protein structure and function output the following: SIFT: "Tolerated"; PolyPhen-2: "Benign"; Align-GVGD: "Class C0". The alanine amino acid residue is found in multiple mammalian species, which suggests that this missense change does not adversely affect protein function. This variant has not been reported in the literature in individuals affected with AEBP1-related conditions. This variant is present in population databases (no rsID available, gnomAD 0.0009%). This sequence change replaces threonine, which is neutral and polar, with alanine, which is neutral and non-polar, at codon 424 of the AEBP1 protein (p.Thr424Ala).

NM_001129.5(AEBP1):c.1270A>G (p.Thr424Ala)

Gene: AEBP1 (AE binding protein 1; plus strand). Cytogenetic location: 7p13.
Variant type: single nucleotide variant.
Coding change: c.1270A>G on transcript NM_001129.5 (MANE Select); coding-DNA position 1270, A replaced by G.
Protein change: p.Thr424Ala; replaces threonine 424 with alanine.
Molecular consequence: missense variant.
Genome position (GRCh38, 1-based): chr7:44,110,216, A>G. VCF-style: chr7-44110216-A-G. GRCh37 (hg19) VCF-style: chr7-44149815-A-G.
Other names: short protein forms T424A.
Identifiers: ClinVar variation 1964277 (VCV001964277.3), dbSNP rs1457999090, ClinGen allele CA367361943.
Genomic context (GRCh38, chr7:44,110,216, plus strand): 5'-GGGATAAGGGACTCCTCCGCCCATGCTCAGCCTCCCCTGCCCCCTGGACAGACCGGTGCC[A>G]CTGAGGACGACTACTATGATGGTGCGTGGTGTGCCGAGGACGATGCCAGGACCCAGTGGA-3'
Protein context (NP_001120.3, residues 414-434): RGRLNMQTGA[Thr424Ala]EDDYYDGAWC